The following is an entry in ClinVar:

NM_001363118.2(SLC52A2):c.350T>C (p.Leu117Pro)

Gene: SLC52A2 (solute carrier family 52 member 2; plus strand).
Variant type: single nucleotide variant.
Coding change: c.350T>C on transcript NM_001363118.2 (MANE Select); coding-DNA position 350, T replaced by C.
Protein change: p.Leu117Pro; replaces leucine 117 with proline.
Molecular consequence: missense variant. On other transcripts: non-coding transcript variant (1), intron variant (5).
Other names: c.350T>C, p.Leu117Pro (NM_001253815.2, NM_001253816.2, NM_001363120.2 and 5 more transcripts); c.86T>C, p.Leu29Pro (NM_001410949.1); c.131-273T>C (NM_001438494.1, NM_001438089.1, NM_001438499.1 and 2 more transcripts); short protein forms L117P, L29P.
Identifiers: ClinVar variation 4686711 (VCV004686711.1).
Protein context (NP_001350047.1, residues 107-127): GQLHSVAFLA[Leu117Pro]AFVLALACCA

ClinVar aggregate classification (germline): Uncertain significance (1 of 4 stars; one submission).

Conditions:
Brown-Vialetto-van Laere syndrome 2. Also called: Riboflavin transporter deficiency type 2; SPINOCEREBELLAR ATAXIA WITH BLINDNESS AND DEAFNESS 2. Identifiers: Orphanet 572543, Orphanet 97229, MedGen C3553538, MONDO:0013867, OMIM 614707.

Submission:

Department of Medical and Molecular Genetics, Dongguan Institute of Pediatrics
Classification: Uncertain significance for Brown-Vialetto-van Laere syndrome 2. Last evaluated: 2020-12-08. Review status: criteria provided, single submitter. Criteria: ACMG Guidelines, 2015. Collection method: clinical testing. Allele origin: germline. Inheritance: Autosomal recessive inheritance. Affected: yes.
Comment: The NM_001363118.2: c.350T>C variant is a missense substitution in the SLC52A2 gene, predicted to result in the amino acid change p.Leu117Pro. This variant is absent or at an extremely low frequency in population databases (PM2_Supporting). Multiple lines of computational evidence support a deleterious effect, including a REVEL score of 0.69 (PP3). In summary, this variant meets the following ACMG/AMP criteria: PM2_Supporting, PP3. Based on the current evidence, the variant is classified as a Variant of Uncertain Significance (VUS).

Literature cited by the submitters: PubMed 24253200.